The following is an entry in ClinVar:

ClinVar aggregate classification (germline): Benign/Likely benign. Review status: criteria provided, multiple submitters, no conflicts (2 of 4 stars). 7 submissions from 7 submitters: Benign (1); Likely benign (5). 1 of the submissions does not count toward it. Last evaluated 2025-11-11.

Conditions:
Hereditary cancer-predisposing syndrome. Also called: Hereditary Cancer Syndrome; Tumor predisposition; Neoplastic Syndromes, Hereditary; Hereditary neoplastic syndrome. Identifiers: Orphanet 140162, MedGen C0027672, MeSH D009386, MONDO:0015356.
Familial cancer of breast. Also called: hereditary breast carcinoma; BREAST CANCER, FAMILIAL; Hereditary breast cancer. Identifiers: Orphanet 227535, MedGen C0346153, MONDO:0016419, OMIM 114480. Disease mechanism: loss of function.
Ataxia-telangiectasia syndrome (AT). Also called: ATAXIA-TELANGIECTASIA, COMPLEMENTATION GROUP A; ATAXIA-TELANGIECTASIA, FRESNO VARIANT; Ataxia-telangiectasia; Ataxia-telangiectasia, complementation group E; Cerebello-oculocutaneous telangiectasia; Immunodeficiency with ataxia telangiectasia. Identifiers: Orphanet 100, MedGen C0004135, MONDO:0008840, OMIM 208900.

Allele frequency attached by ClinVar (database versions not stated): ExAC 0.00001; gnomAD 0.00001; ESP Exome Variant Server 0.00008; gnomAD exomes below 0.00001 and 0.00001; TOPMed 0.00001.
gnomAD v4.1: 5 of 1,614,004 alleles (0.00031%); highest among the groups gnomAD compares: Non-Finnish European, 0.00034%; no homozygotes.

Submissions (7):

Labcorp Genetics (formerly Invitae), Labcorp
Classification: Likely benign for Ataxia-telangiectasia syndrome. Last evaluated: 2025-11-11. Review status: criteria provided, single submitter. Criteria: Invitae Variant Classification Sherloc (09022015). Collection method: clinical testing. Allele origin: germline.

Quest Diagnostics Nichols Institute San Juan Capistrano
Classification: Likely benign. Last evaluated: 2025-10-06. Review status: criteria provided, single submitter. Criteria: Quest Diagnostics criteria. Collection method: clinical testing. Allele origin: unknown.

Myriad Genetics, Inc.
Classification: Benign for Familial cancer of breast. Last evaluated: 2024-06-13. Review status: criteria provided, single submitter. Criteria: Myriad Autosomal Dominant, Autosomal Recessive and X-Linked Classification Criteria (2023). Collection method: clinical testing. Allele origin: unknown.
Comment: This variant is considered benign. This variant is a silent/synonymous amino acid change and it is not expected to impact splicing.

GeneDx
Classification: Likely benign. Last evaluated: 2018-06-15. Review status: criteria provided, single submitter. Criteria: GeneDx Variant Classification Process June 2021. Collection method: clinical testing. Allele origin: germline. Affected: yes.
Comment: This variant is associated with the following publications: (PMID: 28779002)

Color Diagnostics, LLC DBA Color Health
Classification: Likely benign for Hereditary cancer-predisposing syndrome. Last evaluated: 2017-11-12. Review status: criteria provided, single submitter. Criteria: ACMG Guidelines, 2015. Collection method: clinical testing. Allele origin: germline.

Ambry Genetics
Classification: Likely benign for Hereditary cancer-predisposing syndrome. Last evaluated: 2014-10-14. Review status: criteria provided, single submitter. Criteria: Ambry Variant Classification Scheme 2023. Collection method: clinical testing. Allele origin: germline.

Counsyl
Classification: Likely benign for Ataxia-telangiectasia syndrome. Last evaluated: 2018-01-23. Review status: no assertion criteria provided. Collection method: clinical testing. Allele origin: unknown. Not counted in ClinVar's aggregate classification.

NM_000051.4(ATM):c.7131T>C (p.Asp2377=)

Genes: ATM (ATM serine/threonine kinase; plus strand), C11orf65 (chromosome 11 open reading frame 65; minus strand). Cytogenetic location: 11q22.3.
Variant type: single nucleotide variant.
Coding change: c.7131T>C on transcript NM_000051.4 (MANE Select); coding-DNA position 7131, T replaced by C.
Protein change: p.Asp2377=; no amino-acid change (aspartic acid 2377 retained).
Molecular consequence: synonymous variant. On other transcripts: intron variant (2).
Genome position (GRCh38, 1-based): chr11:108,329,062, T>C. VCF-style: chr11-108329062-T-C. GRCh37 (hg19) VCF-style: chr11-108199789-T-C.
Other names: c.7131T>C, p.Asp2377= (NM_001351834.2); c.641-19991A>G (NM_001330368.2); c.*38+6158A>G (NM_001351110.2).
Identifiers: ClinVar variation 186547 (VCV000186547.21), dbSNP rs373309822, ClinGen allele CA195136.
Genomic context (GRCh38, chr11:108,329,062, plus strand): 5'-TGGTTGTGTTTTCTTGAAGGCAGTAGAAGTTGCTGGAAATTATGATGGAGAAAGTAGTGA[T>C]GAGCTAAGAAATGGAAAAATGAAGGCATTTCTCTCATTAGCCCGGTTTTCAGATACTCAA-3'
Protein context (NP_000042.3, residues 2367-2387): VAGNYDGESS[Asp2377=]ELRNGKMKAF